The following is an entry in ClinVar:

NM_001291303.3(FAT4):c.13978G>A (p.Gly4660Ser)

Gene: FAT4 (FAT atypical cadherin 4; plus strand). Cytogenetic location: 4q28.1.
Variant type: single nucleotide variant.
Coding change: c.13978G>A on transcript NM_001291303.3 (MANE Select); coding-DNA position 13978, G replaced by A.
Protein change: p.Gly4660Ser; replaces glycine 4660 with serine.
Molecular consequence: missense variant.
Genome position (GRCh38, 1-based): chr4:125,490,794, G>A. VCF-style: chr4-125490794-G-A. GRCh37 (hg19) VCF-style: chr4-126411949-G-A.
Other names: c.13975G>A, p.Gly4659Ser (NM_001291285.3); c.13972G>A, p.Gly4658Ser (NM_024582.6); short protein forms G4660S, G4658S, G4659S.
Identifiers: ClinVar variation 1360958 (VCV001360958.8), dbSNP rs746280613, ClinGen allele CA3074486.

ClinVar aggregate classification (germline): Uncertain significance (1 of 4 stars; one submission).

Allele frequency attached by ClinVar (database versions not stated): gnomAD exomes below 0.00001; ExAC 0.00001.
gnomAD v4.1: 1 of 1,614,070 alleles (0.000062%); highest among the groups gnomAD compares: Non-Finnish European, 0.000085%; no homozygotes.

Submission:

Labcorp Genetics (formerly Invitae), Labcorp
Classification: Uncertain significance. Last evaluated: 2022-06-13. Review status: criteria provided, single submitter. Criteria: Invitae Variant Classification Sherloc (09022015). Collection method: clinical testing. Allele origin: germline.
Comment: In summary, the available evidence is currently insufficient to determine the role of this variant in disease. Therefore, it has been classified as a Variant of Uncertain Significance. Advanced modeling of protein sequence and biophysical properties (such as structural, functional, and spatial information, amino acid conservation, physicochemical variation, residue mobility, and thermodynamic stability) performed at Invitae indicates that this missense variant is not expected to disrupt FAT4 protein function. This variant has not been reported in the literature in individuals affected with FAT4-related conditions. This variant is present in population databases (rs746280613, gnomAD 0.0009%). This sequence change replaces glycine, which is neutral and non-polar, with serine, which is neutral and polar, at codon 4658 of the FAT4 protein (p.Gly4658Ser).